The following is an entry in ClinVar:

ClinVar aggregate classification (germline): Conflicting classifications of pathogenicity. Review status: criteria provided, conflicting classifications (1 of 4 stars). 4 submissions from 4 submitters: Uncertain significance (3); Benign (1). Last evaluated 2025-09-09.

Conditions:
Hereditary cancer-predisposing syndrome. Also called: Hereditary neoplastic syndrome; Hereditary Cancer Syndrome; Neoplastic Syndromes, Hereditary; Tumor predisposition. Identifiers: Orphanet 140162, MedGen C0027672, MeSH D009386, MONDO:0015356.
Familial adenomatous polyposis 2. Also called: MYH-associated polyposis; COLORECTAL ADENOMATOUS POLYPOSIS, AUTOSOMAL RECESSIVE; ADENOMAS, MULTIPLE COLORECTAL, AUTOSOMAL RECESSIVE; MUTYH-related attenuated familial adenomatous polyposis; Adenomas, multiple colorectal; FAP type 2. Identifiers: Orphanet 220460, Orphanet 247798, MedGen C3272841, MONDO:0012041, OMIM 608456.

Allele frequency attached by ClinVar (database versions not stated): gnomAD exomes 0.00001.
gnomAD v4.1: 8 of 1,609,738 alleles (0.0005%); highest among the groups gnomAD compares: South Asian, 0.0011%; no homozygotes.

Submissions (4):

Ambry Genetics
Classification: Benign for Hereditary cancer-predisposing syndrome. Last evaluated: 2025-09-09. Review status: criteria provided, single submitter. Criteria: Ambry Variant Classification Scheme 2023. Collection method: clinical testing. Allele origin: germline.

Labcorp Genetics (formerly Invitae), Labcorp
Classification: Uncertain significance for Familial adenomatous polyposis 2. Last evaluated: 2025-08-12. Review status: criteria provided, single submitter. Criteria: Invitae Variant Classification Sherloc (09022015). Collection method: clinical testing. Allele origin: germline.
Comment: This sequence change replaces glycine, which is neutral and non-polar, with serine, which is neutral and polar, at codon 499 of the MUTYH protein (p.Gly499Ser). This variant is not present in population databases (gnomAD no frequency). This variant has not been reported in the literature in individuals affected with MUTYH-related conditions. ClinVar contains an entry for this variant (Variation ID: 483930). An algorithm developed to predict the effect of missense changes on protein structure and function (PolyPhen-2) suggests that this variant is likely to be tolerated. In summary, the available evidence is currently insufficient to determine the role of this variant in disease. Therefore, it has been classified as a Variant of Uncertain Significance.

Color Diagnostics, LLC DBA Color Health
Classification: Uncertain significance for Hereditary cancer-predisposing syndrome. Last evaluated: 2023-12-05. Review status: criteria provided, single submitter. Criteria: ACMG Guidelines, 2015. Collection method: clinical testing. Allele origin: germline.
Comment: This missense variant replaces glycine with serine at codon 499 of the MUTYH protein. Computational prediction suggests that this variant may not impact protein structure and function (internally defined REVEL score threshold <= 0.5, PMID: 27666373). To our knowledge, functional studies have not been reported for this variant. This variant has not been reported in individuals affected with MUTYH-related disorders in the literature. This variant has not been identified in the general population by the Genome Aggregation Database (gnomAD). The available evidence is insufficient to determine the role of this variant in disease conclusively. Therefore, this variant is classified as a Variant of Uncertain Significance.

Women's Health and Genetics/Laboratory Corporation of America, LabCorp
Classification: Uncertain significance. Last evaluated: 2023-01-06. Review status: criteria provided, single submitter. Criteria: LabCorp Variant Classification Summary - May 2015. Collection method: clinical testing. Allele origin: germline.

NM_001048174.2(MUTYH):c.1411G>A (p.Gly471Ser)

Gene: MUTYH (mutY DNA glycosylase; minus strand). Cytogenetic location: 1p34.1.
Variant type: single nucleotide variant.
Coding change: c.1411G>A on transcript NM_001048174.2 (MANE Select); coding-DNA position 1411, G replaced by A.
Protein change: p.Gly471Ser; replaces glycine 471 with serine.
Molecular consequence: missense variant. On other transcripts: non-coding transcript variant (2).
Genome position (GRCh38, 1-based): chr1:45,330,539, C>T on the plus strand (G>A on the coding strand, the complement: MUTYH is on the minus strand). VCF-style: chr1-45330539-C-T. GRCh37 (hg19) VCF-style: chr1-45796211-C-T.
Other names: c.1411G>A, p.Gly471Ser (NM_001048171.2, NM_001048173.2, NM_001293195.2); c.1414G>A, p.Gly472Ser (NM_001048172.2); c.1495G>A, p.Gly499Ser (NM_001128425.2); c.1456G>A, p.Gly486Ser (NM_001293190.2); c.1444G>A, p.Gly482Ser (NM_001293191.2); c.1135G>A, p.Gly379Ser (NM_001293192.2, NM_001293196.2); c.1066G>A, p.Gly356Ser (NM_001350650.2, NM_001350651.2); c.1486G>A, p.Gly496Ser (NM_012222.3); short protein forms G499S, G482S, G496S, G379S, G471S, G472S, G356S, G486S.
Identifiers: ClinVar variation 483930 (VCV000483930.20), dbSNP rs1553124088, ClinGen allele CA340132367.